The following is an entry in ClinVar:

NM_000026.4(ADSL):c.5C>T (p.Ala2Val)

Gene: ADSL (adenylosuccinate lyase; plus strand). Cytogenetic location: 22q13.1.
Variant type: single nucleotide variant.
Coding change: c.5C>T on transcript NM_000026.4 (MANE Select); coding-DNA position 5, C replaced by T.
Protein change: p.Ala2Val; replaces alanine 2 with valine.
Molecular consequence: missense variant. On other transcripts: 5 prime UTR variant (1), non-coding transcript variant (1).
Genome position (GRCh38, 1-based): chr22:40,346,563, C>T. VCF-style: chr22-40346563-C-T. GRCh37 (hg19) VCF-style: chr22-40742567-C-T.
Other names: p.A2V:GCG>GTG; c.5C>T, p.Ala2Val (NM_001123378.3, NM_001363840.3); c.-133C>T (NM_001317923.2); c.5C>T (NM_000026.3); short protein forms A2V.
Identifiers: ClinVar variation 204808 (VCV000204808.11), dbSNP rs143083947, ClinGen allele CA313131.

ClinVar aggregate classification (germline): Conflicting classifications of pathogenicity. Review status: criteria provided, conflicting classifications (1 of 4 stars). 4 submissions from 4 submitters: Likely pathogenic (1); Uncertain significance (3). Last evaluated 2025-12-09.

Conditions:
ADSL-related disorder. Also called: ADSL-related condition.
Adenylosuccinate lyase deficiency (ADSLD). Also called: ADSL DEFICIENCY. Identifiers: Orphanet 46, MedGen C0268126, MONDO:0007068, OMIM 103050.

Allele frequency attached by ClinVar (database versions not stated): TOPMed 0.00006; ESP Exome Variant Server 0.00015; ExAC 0.00018; 1000 Genomes Project 0.00020; 1000 Genomes Project 30x 0.00078.
gnomAD v4.1: 31 of 1,603,032 alleles (0.0019%); highest among the groups gnomAD compares: East Asian, 0.038%; no homozygotes.

Submissions (4):

GeneDx
Classification: Likely pathogenic. Last evaluated: 2025-12-09. Review status: criteria provided, single submitter. Criteria: GeneDx Variant Classification Process June 2021. Collection method: clinical testing. Allele origin: germline. Affected: yes.
Comment: Observed with a second ADSL variant on the opposite allele (in trans) in patients with seizures, developmental delay, and hypotonia, and biochemical evidence of adenylosuccinate lyase (ADSL) deficiency in the published literature (PMID: 10090474, 34992632, 32169601); Published functional studies suggest this variant results in a mild reduction of enzyme activity, however additional studies are needed to validate the functional effect of this variant in vivo (PMID: 10958654); In silico analysis suggests that this missense variant does not alter protein structure/function; This variant is associated with the following publications: (PMID: 30487145, 16839792, 10701848, 32169601, 34992632, 16973378, 10090474, 9553952, 10958654, ubuk2025[Preprint])

PreventionGenetics, part of Exact Sciences
Classification: Uncertain significance for ADSL-related condition. Last evaluated: 2025-11-07. Review status: criteria provided, single submitter. Criteria: ACMG Guidelines, 2015. Collection method: clinical testing. Allele origin: germline.
Comment: The ADSL c.5C>T variant is predicted to result in the amino acid substitution p.Ala2Val. This variant has been reported with other ADSL variants in multiple individuals with symptoms of ADSL-related disease (Marie et al. 1999. PubMed ID: 10090474; Wu et al. 2020. PubMed ID: 32169601; Table S3, Yao et al. 2021. PubMed ID: 34992632). This variant is reported in 0.13% of alleles in individuals of East Asian descent in gnomAD. An in vitro experimental study suggests this variant reduces enzyme activity to 70-80% of wildtype activity (Race et al. 2000. PubMed ID: 10958654). Although we suspect that this variant may be pathogenic, at this time, the clinical significance of this variant is uncertain due to the absence of conclusive functional and genetic evidence.

Labcorp Genetics (formerly Invitae), Labcorp
Classification: Uncertain significance for Adenylosuccinate lyase deficiency. Last evaluated: 2022-01-03. Review status: criteria provided, single submitter. Criteria: Invitae Variant Classification Sherloc (09022015). Collection method: clinical testing. Allele origin: germline.
Comment: This sequence change replaces alanine, which is neutral and non-polar, with valine, which is neutral and non-polar, at codon 2 of the ADSL protein (p.Ala2Val). This variant is present in population databases (rs143083947, gnomAD 0.1%). This missense change has been observed in individual(s) with adenylosuccinate lyase deficiency (PMID: 10090474). ClinVar contains an entry for this variant (Variation ID: 204808). Advanced modeling of protein sequence and biophysical properties (such as structural, functional, and spatial information, amino acid conservation, physicochemical variation, residue mobility, and thermodynamic stability) performed at Invitae indicates that this missense variant is not expected to disrupt ADSL protein function. In summary, the available evidence is currently insufficient to determine the role of this variant in disease. Therefore, it has been classified as a Variant of Uncertain Significance.

3billion
Classification: Uncertain significance for Adenylosuccinate lyase deficiency. Review status: criteria provided, single submitter. Criteria: ACMG Guidelines, 2015. Collection method: clinical testing. Allele origin: unknown. Affected: yes. Observed: 1 heterozygote.
Comment: The variant is observed at an extremely low frequency in the gnomAD v2.1.1 dataset (total allele frequency: 0.012%). Same nucleotide change resulting in same amino acid change has been previously reported to be associated with ADSL related disorder (ClinVar ID: VCV000204808 / PMID: 10090474). The variant has been reported to be in trans with a pathogenic variant as either compound heterozygous or homozygous in at least one similarly affected unrelated individual (PMID: 10958654). However, the evidence of pathogenicity is insufficient at this time. Therefore, this variant is classified as Uncertain significance according to the recommendation of ACMG/AMP guideline.

Literature cited by the submitters: PubMed 10090474 (cited by Labcorp Genetics (formerly Invitae), Labcorp and 3billion); PubMed 10958654 (cited by 3billion).